The following is an entry in ClinVar:

NM_001040108.2(MLH3):c.3188G>C (p.Gly1063Ala)

Gene: MLH3 (mutL homolog 3; minus strand). Cytogenetic location: 14q24.3.
Variant type: single nucleotide variant.
Coding change: c.3188G>C on transcript NM_001040108.2 (MANE Select); coding-DNA position 3188, G replaced by C.
Protein change: p.Gly1063Ala; replaces glycine 1063 with alanine.
Molecular consequence: missense variant.
Genome position (GRCh38, 1-based): chr14:75,046,468, C>G on the plus strand (G>C on the coding strand, the complement: MLH3 is on the minus strand). VCF-style: chr14-75046468-C-G. GRCh37 (hg19) VCF-style: chr14-75513171-C-G.
Other names: c.3188G>C, p.Gly1063Ala (NM_014381.3); short protein forms G1063A.
Identifiers: ClinVar variation 3295123 (VCV003295123.1).

ClinVar aggregate classification (germline): Uncertain significance (1 of 4 stars; one submission).

Submission:

Ambry Genetics
Classification: Uncertain significance. Last evaluated: 2024-04-26. Review status: criteria provided, single submitter. Criteria: Ambry Variant Classification Scheme 2023. Collection method: clinical testing. Allele origin: germline.
Comment: The p.G1063A variant (also known as c.3188G>C), located in coding exon 1 of the MLH3 gene, results from a G to C substitution at nucleotide position 3188. The glycine at codon 1063 is replaced by alanine, an amino acid with similar properties. This amino acid position is conserved. In addition, this alteration is predicted to be deleterious by in silico analysis. Based on the available evidence, the clinical significance of this variant remains unclear.